The following is an entry in ClinVar:

NM_000359.3(TGM1):c.871G>A (p.Gly291Ser)

Gene: TGM1 (transglutaminase 1; minus strand). Cytogenetic location: 14q12.
Variant type: single nucleotide variant.
Coding change: c.871G>A on transcript NM_000359.3 (MANE Select); coding-DNA position 871, G replaced by A.
Protein change: p.Gly291Ser; replaces glycine 291 with serine.
Molecular consequence: missense variant.
Genome position (GRCh38, 1-based): chr14:24,259,945, C>T on the plus strand (G>A on the coding strand, the complement: TGM1 is on the minus strand). VCF-style: chr14-24259945-C-T. GRCh37 (hg19) VCF-style: chr14-24729151-C-T.
Other names: short protein forms G291S.
Identifiers: ClinVar variation 555662 (VCV000555662.15), dbSNP rs1437822062, ClinGen allele CA389269402.
Genomic context (GRCh38, chr14:24,259,945, plus strand): 5'-CCACACCCACCCCAGCTCCTCTGGGTGTATGTGACCCTGGCCAGCCGCACCATACCTGGC[C>T]GTAGTTCCAGGTCCGCTCACCAATCTGTGCTTCGGTCCCGTAGTAAATTCTCCCAGACTC-3'
Protein context (NP_000350.1, residues 281-301): AQIGERTWNY[Gly291Ser]QFDHGVLDAC

ClinVar aggregate classification (germline): Pathogenic/Likely pathogenic. Review status: criteria provided, multiple submitters, no conflicts (2 of 4 stars). 5 submissions from 5 submitters: Pathogenic (2); Likely pathogenic (2). 1 of the submissions does not count toward it. Last evaluated 2026-01-28.

Conditions:
Autosomal recessive congenital ichthyosis 1 (LI1). Also called: ICHTHYOSIS CONGENITA; ICHTHYOSIS CONGENITA II; LAMELLAR EXFOLIATION OF NEWBORN; ICHTHYOSIS, CONGENITAL, AUTOSOMAL RECESSIVE 1, WITH BATHING SUIT DISTRIBUTION; ICHTHYOSIS, CONGENITAL, AUTOSOMAL RECESSIVE 1, WITH OR WITHOUT BATHING SUIT DISTRIBUTION; COLLODION FETUS. Identifiers: MedGen C4551630, MONDO:0009441, OMIM 242300.

Allele frequency attached by ClinVar (database versions not stated): gnomAD exomes 0.00001 and 0.00003; TOPMed 0.00001.
gnomAD v4.1: 44 of 1,613,904 alleles (0.0027%); highest among the groups gnomAD compares: Non-Finnish European, 0.0034%; no homozygotes.

Submissions (5):

Labcorp Genetics (formerly Invitae), Labcorp
Classification: Pathogenic. Last evaluated: 2026-01-28. Review status: criteria provided, single submitter. Criteria: Invitae Variant Classification Sherloc (09022015). Collection method: clinical testing. Allele origin: germline.
Comment: This sequence change replaces glycine, which is neutral and non-polar, with serine, which is neutral and polar, at codon 291 of the TGM1 protein (p.Gly291Ser). This variant is present in population databases (no rsID available, gnomAD 0.003%). This missense change has been observed in individuals with ichthyosis (PMID: 19262603, 30600594, 31168818). It has also been observed to segregate with disease in related individuals. ClinVar contains an entry for this variant (Variation ID: 555662). Invitae Evidence Modeling of protein sequence and biophysical properties (such as structural, functional, and spatial information, amino acid conservation, physicochemical variation, residue mobility, and thermodynamic stability) indicates that this missense variant is expected to disrupt TGM1 protein function with a positive predictive value of 95%. This variant disrupts the p.Gly291 amino acid residue in TGM1. Other variant(s) that disrupt this residue have been determined to be pathogenic (PMID: 19241467, 19863506, 27025581). This suggests that this residue is clinically significant, and that variants that disrupt this residue are likely to be disease-causing. For these reasons, this variant has been classified as Pathogenic.

Natera, Inc.
Classification: Pathogenic for Autosomal recessive congenital ichthyosis type 1. Last evaluated: 2025-01-01. Review status: criteria provided, single submitter. Criteria: Natera Variant Classification Schema (03/2026). Collection method: clinical testing. Allele origin: germline.
Comment: The c.871G>A variant in TGM1 is a missense variant predicted to cause substitution of glycine to serine at amino acid 291. This variant is rare in the general population with a frequency below the threshold expected for the associated phenotype(s). This variant has been observed in one or more individuals affected with the associated recessive disease, as either homozygous or compound heterozygous with a second variant (PMID: 30600594, 19262603, 31168818). This variant has been observed to segregate in affected family members (PMID: 31168818). A different variant at the same position has been determined to be Pathogenic or Likely Pathogenic. Computational prediction algorithms indicate this variant is likely to affect gene or protein function. Given the available evidence, this variant is classified as Pathogenic.

Fulgent Genetics
Classification: Likely pathogenic for Autosomal recessive congenital ichthyosis 1. Last evaluated: 2024-04-22. Review status: criteria provided, single submitter. Criteria: ACMG Guidelines, 2015. Collection method: clinical testing. Allele origin: germline.

GeneDx
Classification: Likely pathogenic. Last evaluated: 2022-12-15. Review status: criteria provided, single submitter. Criteria: GeneDx Variant Classification Process June 2021. Collection method: clinical testing. Allele origin: germline. Affected: yes.
Comment: In silico analysis supports that this missense variant has a deleterious effect on protein structure/function; This variant is associated with the following publications: (PMID: 19262603, 31168818, 30600594)

Counsyl
Classification: Uncertain significance for Autosomal recessive congenital ichthyosis 1. Last evaluated: 2017-12-27. Review status: no assertion criteria provided. Collection method: clinical testing. Allele origin: unknown. Not counted in ClinVar's aggregate classification.

Literature cited by the submitters: PubMed 19262603 (cited by 3 submitters); PubMed 30600594 (cited by Labcorp Genetics (formerly Invitae), Labcorp and Natera, Inc.); PubMed 31168818 (cited by Labcorp Genetics (formerly Invitae), Labcorp and Natera, Inc.); PubMed 19241467 (cited by Labcorp Genetics (formerly Invitae), Labcorp); PubMed 19863506 (cited by Labcorp Genetics (formerly Invitae), Labcorp); PubMed 27025581 (cited by Labcorp Genetics (formerly Invitae), Labcorp).